The following is an entry in ClinVar:

ClinVar aggregate classification (germline): Uncertain significance (1 of 4 stars; one submission).

Conditions:
Hereditary cancer-predisposing syndrome. Also called: Neoplastic Syndromes, Hereditary; Hereditary neoplastic syndrome; Tumor predisposition; Hereditary Cancer Syndrome. Identifiers: Orphanet 140162, MedGen C0027672, MeSH D009386, MONDO:0015356.

Submission:

Ambry Genetics
Classification: Uncertain significance for Hereditary cancer-predisposing syndrome. Last evaluated: 2023-03-06. Review status: criteria provided, single submitter. Criteria: Ambry Variant Classification Scheme 2023. Collection method: clinical testing. Allele origin: germline.
Comment: The c.2638+4A>G intronic variant results from an A to G substitution 4 nucleotides after coding exon 16 in the ATM gene. This nucleotide position is highly conserved in available vertebrate species. In silico splice site analysis predicts that this alteration will not have any significant effect on splicing. Since supporting evidence is limited at this time, the clinical significance of this alteration remains unclear.

NM_000051.4(ATM):c.2638+4A>G

Gene: ATM (ATM serine/threonine kinase; plus strand). Cytogenetic location: 11q22.3.
Variant type: single nucleotide variant.
Coding change: c.2638+4A>G on transcript NM_000051.4 (MANE Select); 4 bases into the intron after coding-DNA position 2638, A replaced by G.
Molecular consequence: intron variant.
Genome position (GRCh38, 1-based): chr11:108,267,346, A>G. VCF-style: chr11-108267346-A-G. GRCh37 (hg19) VCF-style: chr11-108138073-A-G.
Other names: c.2638+4A>G (NM_001351834.2).
Identifiers: ClinVar variation 2453983 (VCV002453983.2), dbSNP rs2135509787, ClinGen allele CA2580083065.